The following is an entry in ClinVar:

ClinVar aggregate classification (germline): Uncertain significance. Review status: criteria provided, multiple submitters, no conflicts (2 of 4 stars). 2 submissions from 2 submitters: Uncertain significance (2). Last evaluated 2024-09-28.

Conditions:
Autosomal dominant cerebellar ataxia, deafness and narcolepsy. Also called: Autosomal Dominant Cerebellar Ataxia, Deafness, and Narcolepsy (ADCA-DN). Identifiers: Orphanet 314404, MedGen C4302668, MONDO:0011397, OMIM 604121.
Hereditary sensory neuropathy-deafness-dementia syndrome. Also called: Hereditary sensory neuropathy type IE; NEUROPATHY, HEREDITARY SENSORY, WITH HEARING LOSS AND DEMENTIA; Hereditary Sensory and Autonomic Neuropathy Type 1E (HSAN1E); HSN IE. Identifiers: Orphanet 456318, MedGen C3279885, MONDO:0013584, OMIM 614116.

Allele frequency attached by ClinVar (database versions not stated): ExAC 0.00002; gnomAD 0.00002; gnomAD exomes 0.00003; TOPMed 0.00003.
gnomAD v4.1: 40 of 1,613,896 alleles (0.0025%); highest among the groups gnomAD compares: Non-Finnish European, 0.0034%; no homozygotes.

Submissions (2):

Labcorp Genetics (formerly Invitae), Labcorp
Classification: Uncertain significance for Hereditary sensory neuropathy-deafness-dementia syndrome. Last evaluated: 2024-09-28. Review status: criteria provided, single submitter. Criteria: Invitae Variant Classification Sherloc (09022015). Collection method: clinical testing. Allele origin: germline.
Comment: This sequence change replaces asparagine, which is neutral and polar, with serine, which is neutral and polar, at codon 1056 of the DNMT1 protein (p.Asn1056Ser). This variant is present in population databases (rs767308840, gnomAD 0.008%). This variant has not been reported in the literature in individuals affected with DNMT1-related conditions. ClinVar contains an entry for this variant (Variation ID: 851195). Invitae Evidence Modeling of protein sequence and biophysical properties (such as structural, functional, and spatial information, amino acid conservation, physicochemical variation, residue mobility, and thermodynamic stability) indicates that this missense variant is expected to disrupt DNMT1 protein function with a positive predictive value of 80%. In summary, the available evidence is currently insufficient to determine the role of this variant in disease. Therefore, it has been classified as a Variant of Uncertain Significance.

Fulgent Genetics
Classification: Uncertain significance for Autosomal dominant cerebellar ataxia, deafness and narcolepsy; Hereditary sensory neuropathy-deafness-dementia syndrome. Last evaluated: 2021-10-26. Review status: criteria provided, single submitter. Criteria: ACMG Guidelines, 2015. Collection method: clinical testing. Allele origin: unknown.

NM_001130823.3(DNMT1):c.3167A>G (p.Asn1056Ser)

Gene: DNMT1 (DNA methyltransferase 1; minus strand). Cytogenetic location: 19p13.2.
Variant type: single nucleotide variant.
Coding change: c.3167A>G on transcript NM_001130823.3 (MANE Select); coding-DNA position 3167, A replaced by G.
Protein change: p.Asn1056Ser; replaces asparagine 1056 with serine.
Molecular consequence: missense variant.
Genome position (GRCh38, 1-based): chr19:10,142,170, T>C on the plus strand (A>G on the coding strand, the complement: DNMT1 is on the minus strand). VCF-style: chr19-10142170-T-C. GRCh37 (hg19) VCF-style: chr19-10252846-T-C.
Other names: c.3119A>G, p.Asn1040Ser (NM_001318730.2, NM_001379.4); c.2804A>G, p.Asn935Ser (NM_001318731.2); short protein forms N935S, N1040S, N1056S.
Identifiers: ClinVar variation 851195 (VCV000851195.10), dbSNP rs767308840, ClinGen allele CA9187825.